The following is an entry in ClinVar:

ClinVar aggregate classification (germline): Pathogenic (1 of 4 stars; one submission).

Conditions:
Renal cyst. Also called: Cystic kidney disease; Renal cysts; cystic kidneys. Identifiers: MedGen C3887499, MONDO:0002473, HP:0000107.

Submission:

Victorian Clinical Genetics Services, Murdoch Childrens Research Institute
Classification: Pathogenic for Renal cyst. Last evaluated: 2025-05-19. Review status: criteria provided, single submitter. Criteria: ACMG Guidelines, 2015. Collection method: clinical testing. Allele origin: germline. Affected: yes.
Comment: This variant is classified as Pathogenic. Evidence in support of pathogenic classification: Variant is predicted to cause nonsense-mediated decay (NMD) and loss of protein (premature termination codon is located at least 54 nucleotides upstream of the final exon-exon junction); Variant is absent from gnomAD (v2, v3 and v4); Other NMD-predicted variants comparable to the one identified in this case have very strong previous evidence for pathogenicity (DECIPHER). These variants have been reported in families with later onset autosomal dominant polycystic kidney disease (PMID: 34890546) and autosomal recessive IFT140-related conditions (PMIDs: 22503633, 26968735). Additional information: This variant is heterozygous; This gene is associated with both recessive and dominant disease. Retinitis pigmentosa 80 (MIM#617781) and short-rib thoracic dysplasia 9 with or without polydactyly (MIM#266920) are inherited in an autosomal recessive manner, while cystic kidney disease (MONDO:0002473), IFT140-related, is inherited in an autosomal dominant manner (OMIM, PMID: 34890546) - This variant has no previous evidence of pathogenicity; No published segregation evidence has been identified for this variant; No published functional evidence has been identified for this variant; Loss of function is a known mechanism of disease in this gene and is associated with retinitis pigmentosa 80 (MIM#617781), short-rib thoracic dysplasia 9 with or without polydactyly (MIM#266920) and cystic kidney disease (MONDO:0002473), IFT140-related (PMID: 34890546); The dominant condition associated with this gene may have incomplete penetrance. Parents of children with short-rib thoracic dysplasia 9 with or without polydactyly, who carry a single pathogenic variant that has also previously been associated with the dominant cystic kidney disease phenotype, have been reported as unaffected (PMID: 34890546). However, these parents weren't specifically assessed for cystic kidney disease; Inheritance information for this variant is not currently available in this individual.

Literature cited by the submitters: PubMed 26968735; PubMed 22503633; PubMed 34890546.

NM_014714.4(IFT140):c.2931C>A (p.Tyr977Ter)

Genes: IFT140 (intraflagellar transport 140; minus strand), LOC126862260 (CDK7 strongly-dependent group 2 enhancer GRCh37_chr16:1574508-1575707; plus strand). Cytogenetic location: 16p13.3.
Variant type: single nucleotide variant.
Coding change: c.2931C>A on transcript NM_014714.4 (MANE Select); coding-DNA position 2931, C replaced by A.
Protein change: p.Tyr977Ter; replaces tyrosine 977 with a stop codon.
Molecular consequence: nonsense.
Genome position (GRCh38, 1-based): chr16:1,524,850, G>T on the plus strand (C>A on the coding strand, the complement: IFT140 is on the minus strand). VCF-style: chr16-1524850-G-T. GRCh37 (hg19) VCF-style: chr16-1574851-G-T.
Other names: short protein forms Y977*.
Identifiers: ClinVar variation 4531521 (VCV004531521.1).